The following is an entry in ClinVar:

NM_025179.4(PLXNA2):c.1530A>G (p.Ser510=)

Gene: PLXNA2 (plexin A2; minus strand). Cytogenetic location: 1q32.2.
Variant type: single nucleotide variant.
Coding change: c.1530A>G on transcript NM_025179.4 (MANE Select); coding-DNA position 1530, A replaced by G.
Protein change: p.Ser510=; no amino-acid change (serine 510 retained).
Molecular consequence: synonymous variant.
Genome position (GRCh38, 1-based): chr1:208,103,224, T>C on the plus strand (A>G on the coding strand, the complement: PLXNA2 is on the minus strand). VCF-style: chr1-208103224-T-C. GRCh37 (hg19) VCF-style: chr1-208276569-T-C.
Identifiers: ClinVar variation 761060 (VCV000761060.5), dbSNP rs754247981, ClinGen allele CA1373811.

ClinVar aggregate classification (germline): Likely benign. Review status: criteria provided, single submitter (1 of 4 stars). 2 submissions from 2 submitters: Likely benign (1). 1 of the submissions does not count toward it. Last evaluated 2018-07-31.

Conditions:
PLXNA2-related disorder. Also called: PLXNA2-related condition.

Allele frequency attached by ClinVar (database versions not stated): gnomAD exomes 0.00001 and 0.00004; TOPMed 0.00001; ExAC 0.00007.
gnomAD v4.1: 13 of 1,614,024 alleles (0.00081%); highest among the groups gnomAD compares: Admixed American, 0.017%; no homozygotes.

Submissions (2):

Labcorp Genetics (formerly Invitae), Labcorp
Classification: Likely benign. Last evaluated: 2018-07-31. Review status: criteria provided, single submitter. Criteria: Invitae Variant Classification Sherloc (09022015). Collection method: clinical testing. Allele origin: germline.

PreventionGenetics, part of Exact Sciences
Classification: Likely benign for PLXNA2-related condition. Last evaluated: 2023-09-08. Review status: no assertion criteria provided. Collection method: clinical testing. Allele origin: germline. Not counted in ClinVar's aggregate classification.
Comment: This variant is classified as likely benign based on ACMG/AMP sequence variant interpretation guidelines (Richards et al. 2015 PMID: 25741868, with internal and published modifications).